The following is an entry in ClinVar:

ClinVar aggregate classification (germline): Likely pathogenic (1 of 4 stars; one submission).

Conditions:
Autoinflammatory disease, multisystem, with immune dysregulation, X-linked (ADMIDX). Identifiers: MedGen C5829577, MONDO:0957494, OMIM 301109.

Submission:

Juno Genomics, Hangzhou Juno Genomics, Inc
Classification: Likely pathogenic for Autoinflammatory disease, multisystem, with immune dysregulation, X-linked. Review status: criteria provided, single submitter. Criteria: ACMG Guidelines, 2015. Collection method: clinical testing. Allele origin: germline.
Comment: Absent from controls (or at extremely low frequency if recessive) in Genome Aggregation Database.;Null variant in a gene where loss of function (LOF) is a known mechanism of disease.

NM_144658.4(DOCK11):c.4389dup (p.Ile1464fs)

Gene: DOCK11 (dedicator of cytokinesis 11; plus strand). Cytogenetic location: Xq24.
Variant type: Duplication.
Coding change: c.4389dup on transcript NM_144658.4 (MANE Select); coding-DNA position 4389, one base duplicated (C; older notation c.4389dupC).
Protein change: p.Ile1464fs; shifts the reading frame from isoleucine 1464.
Molecular consequence: frameshift variant.
Genome position (GRCh38, 1-based): chrX:118,643,585, C duplicated. VCF-style (leftmost placement, unchanged base first): chrX-118643584-T-TC. GRCh37 (hg19) VCF-style: chrX-117777547-T-TC.
Other names: short protein forms I1464fs.
Identifiers: ClinVar variation 5019795 (VCV005019795.2).